The following is an entry in ClinVar:

ClinVar aggregate classification (germline): not provided (0 of 4 stars; one submission).

Submission:

ITMI
No classification provided. Condition: AllHighlyPenetrant. Last evaluated: 2013-09-19. Review status: no classification provided. Collection method: reference population. Allele origin: germline.
Comment: Please see associated publication for description of ethnicities

Literature cited by the submitters: PubMed 24728327.

NM_000545.8(HNF1A):c.1309+86TCAT[5]

Gene: HNF1A (HNF1 homeobox A; plus strand). Cytogenetic location: 12q24.31.
Variant type: Microsatellite.
Coding change: c.1309+86TCAT[5] on transcript NM_000545.8 (MANE Select); five copies in a row of the 4-base unit TCAT starting at c.1309+86; the reference has four copies in a row; one copy, 4 bases duplicated.
Molecular consequence: intron variant.
Genome position (GRCh38, 1-based): chr12:120,996,840-120,996,843, TCAT duplicated; duplicating any 4 consecutive bases within chr12:120,996,828-120,996,843 gives the same sequence; the position shown is the placement nearest the transcript's 3' end. VCF-style (leftmost placement, unchanged base first): chr12-120996827-C-CTCAT. GRCh37 (hg19) VCF-style: chr12-121434630-C-CTCAT.
Other names: c.1309+86TCAT[5] (NM_001306179.2).
Identifiers: ClinVar variation 135498 (VCV000135498.1), dbSNP rs58371019, ClinGen allele CA162953.